The following is an entry in ClinVar:

NM_145064.3(STAC3):c.339C>A (p.Asn113Lys)

Gene: STAC3 (SH3 and cysteine rich domain 3; minus strand). Cytogenetic location: 12q13.3.
Variant type: single nucleotide variant.
Coding change: c.339C>A on transcript NM_145064.3 (MANE Select); coding-DNA position 339, C replaced by A.
Protein change: p.Asn113Lys; replaces asparagine 113 with lysine.
Molecular consequence: missense variant. On other transcripts: intron variant (1).
Genome position (GRCh38, 1-based): chr12:57,248,799, G>T on the plus strand (C>A on the coding strand, the complement: STAC3 is on the minus strand). VCF-style: chr12-57248799-G-T. GRCh37 (hg19) VCF-style: chr12-57642582-G-T.
Other names: c.222C>A, p.Asn74Lys (NM_001286256.2); c.-126-601C>A (NM_001286257.2); short protein forms N74K, N113K.
Identifiers: ClinVar variation 948733 (VCV000948733.10), dbSNP rs763684159, ClinGen allele CA6647173.
Genomic context (GRCh38, chr12:57,248,799, plus strand): 5'-GGACTGACAGTGTTCATGGATGTTGGTTTTGCAGTTCTTACAGCGAAGCCCAAACTTGTT[G>T]TTGACTTGGGAAAGGGGGAGAAAATTCAGATAAGGTTCCAGATTGCCCTTTCCCTTTGTA-3'
Protein context (NP_659501.1, residues 103-123): CDVCARMIVL[Asn113Lys]NKFGLRCKNC

ClinVar aggregate classification (germline): Uncertain significance (1 of 4 stars; one submission).

Conditions:
Bailey-Bloch congenital myopathy (CMYO13). Also called: STAC3 disorder; Congenital myopathy 13; Native American myopathy. Identifiers: Orphanet 168572, MedGen C1850625, MONDO:0009722, OMIM 255995.

Allele frequency attached by ClinVar (database versions not stated): gnomAD exomes below 0.00001; ExAC 0.00001; gnomAD 0.00001; TOPMed 0.00001.
gnomAD v4.1: 2 of 1,613,672 alleles (0.00012%); highest among the groups gnomAD compares: Non-Finnish European, 0.00017%; no homozygotes.

Submission:

Labcorp Genetics (formerly Invitae), Labcorp
Classification: Uncertain significance for Bailey-Bloch congenital myopathy. Last evaluated: 2022-03-19. Review status: criteria provided, single submitter. Criteria: Invitae Variant Classification Sherloc (09022015). Collection method: clinical testing. Allele origin: germline.
Comment: In summary, the available evidence is currently insufficient to determine the role of this variant in disease. Therefore, it has been classified as a Variant of Uncertain Significance. Algorithms developed to predict the effect of missense changes on protein structure and function are either unavailable or do not agree on the potential impact of this missense change (SIFT: "Deleterious"; PolyPhen-2: "Probably Damaging"; Align-GVGD: "Class C0"). This sequence change replaces asparagine, which is neutral and polar, with lysine, which is basic and polar, at codon 113 of the STAC3 protein (p.Asn113Lys). This variant is present in population databases (rs763684159, gnomAD no frequency). This variant has not been reported in the literature in individuals affected with STAC3-related conditions. ClinVar contains an entry for this variant (Variation ID: 948733).